The following is an entry in ClinVar:

NC_000011.10:g.(?_63629309)_(63636344_?)del

Gene: ATL3 (atlastin GTPase 3; minus strand). Cytogenetic location: 11q12.3-13.1.
Variant type: Deletion.
Identifiers: ClinVar variation 832469 (VCV000832469.5).

ClinVar aggregate classification (germline): Uncertain significance (1 of 4 stars; one submission).

Conditions:
Neuropathy, hereditary sensory, type 1F. Also called: Hereditary sensory neuropathy type IF; HSN IF. Identifiers: Orphanet 36386, MedGen C3810194, MONDO:0014286, OMIM 615632.

Submission:

Labcorp Genetics (formerly Invitae), Labcorp
Classification: Uncertain significance for Neuropathy, hereditary sensory, type 1F. Last evaluated: 2019-11-17. Review status: criteria provided, single submitter. Criteria: Invitae Variant Classification Sherloc (09022015). Collection method: clinical testing. Allele origin: germline.
Comment: In summary, the available evidence is currently insufficient to determine the role of this variant in disease. Therefore, it has been classified as a Variant of Uncertain Significance. This variant has not been reported in the literature in individuals with ATL3-related conditions. This variant is an in-frame deletion of the genomic region encompassing exon(s) 9-13 of the ATL3 gene. It preserves the integrity of the reading frame.